The following is an entry in ClinVar:

ClinVar aggregate classification (germline): Uncertain significance (1 of 4 stars; one submission).

Conditions:
PHIP-related disorder. Also called: PHIP-related condition; PHIP-related disorders.

Submission:

PreventionGenetics, part of Exact Sciences
Classification: Uncertain significance for PHIP-related condition. Last evaluated: 2025-05-08. Review status: criteria provided, single submitter. Criteria: ACMG Guidelines, 2015. Collection method: clinical testing. Allele origin: germline.
Comment: The PHIP c.1856C>G variant is predicted to result in the amino acid substitution p.Pro619Arg. To our knowledge, this variant has not been reported in the literature or in a large population database (gnomAD), indicating this variant is rare. At this time, the clinical significance of this variant is uncertain due to the absence of conclusive functional and genetic evidence.

NM_017934.7(PHIP):c.1856C>G (p.Pro619Arg)

Gene: PHIP (PHIP subunit of CUL4-Ring ligase complex; minus strand). Cytogenetic location: 6q14.1.
Variant type: single nucleotide variant.
Coding change: c.1856C>G on transcript NM_017934.7 (MANE Select); coding-DNA position 1856, C replaced by G.
Protein change: p.Pro619Arg; replaces proline 619 with arginine.
Molecular consequence: missense variant.
Genome position (GRCh38, 1-based): chr6:79,001,922, G>C on the plus strand (C>G on the coding strand, the complement: PHIP is on the minus strand). VCF-style: chr6-79001922-G-C. GRCh37 (hg19) VCF-style: chr6-79711639-G-C.
Other names: short protein forms P619R.
Identifiers: ClinVar variation 4997302 (VCV004997302.1).
Genomic context (GRCh38, chr6:79,001,922, plus strand): 5'-GAAGAAAATTTGATTGTCTAAGAAAATGAGCACCTACCTGAGGAAGTTACTCCCATCTGA[G>C]GGATGAGTTGCTCCTCCCTGCAATTTTCACGGCCAGGAACTAATCTTTGATATCTTGATG-3'
Protein context (NP_060404.4, residues 609-629): RENCREEQLI[Pro619Arg]QMGVTSSGLN